The following is an entry in ClinVar:

ClinVar aggregate classification (germline): Pathogenic. Review status: criteria provided, multiple submitters, no conflicts (2 of 4 stars). 4 submissions from 4 submitters: Pathogenic (3). 1 of the submissions does not count toward it. Last evaluated 2024-09-10.

Conditions:
Familial hemophagocytic lymphohistiocytosis 3 (FHL3). Also called: UNC13D-Related Familial Hemophagocytic Lymphohistiocytosis (UNC13D-fHLH). Identifiers: Orphanet 540, MedGen C1837174, MONDO:0012146, OMIM 608898.

Allele frequency attached by ClinVar (database versions not stated): gnomAD exomes 0.00001; gnomAD 0.00001; TOPMed below 0.00001; ExAC 0.00002.

Submissions (4):

3billion
Classification: Pathogenic for Familial hemophagocytic lymphohistiocytosis 3. Last evaluated: 2024-09-10. Review status: criteria provided, single submitter. Criteria: ACMG Guidelines, 2015. Collection method: clinical testing. Allele origin: germline. Affected: yes.
Comment: The variant is observed at an extremely low frequency in the gnomAD v4.0.0 dataset (total allele frequency: <0.001%). Predicted Consequence/Location: Canonical splice site: predicted to alter splicing and result in a loss or disruption of normal protein function. Multiple pathogenic loss-of-function variants are reported downstream of the variant. In silico tools predict the variant to alter splicing and produce an abnormal transcript [SpliceAI: 0.98 (spliceogenicity >=0.2, non-spliceogenicity <0.1)]. The variant has been reported to be in trans with a pathogenic variant as either compound heterozygous or homozygous in at least one similarly affected unrelated individual (PMID: 23180437). The variant has been reported at least twice as pathogenic without evidence for the classification (ClinVar ID: VCV001299416 /PMID: 15466010 /3billion dataset). Therefore, this variant is classified as Pathogenic according to the recommendation of ACMG/AMP guideline.

Fulgent Genetics
Classification: Pathogenic for Familial hemophagocytic lymphohistiocytosis 3. Last evaluated: 2024-04-09. Review status: criteria provided, single submitter. Criteria: ACMG Guidelines, 2015. Collection method: clinical testing. Allele origin: germline.

Labcorp Genetics (formerly Invitae), Labcorp
Classification: Pathogenic for Familial hemophagocytic lymphohistiocytosis 3. Last evaluated: 2023-11-24. Review status: criteria provided, single submitter. Criteria: Invitae Variant Classification Sherloc (09022015). Collection method: clinical testing. Allele origin: germline.
Comment: This sequence change affects an acceptor splice site in intron 9 of the UNC13D gene. It is expected to disrupt RNA splicing. Variants that disrupt the donor or acceptor splice site typically lead to a loss of protein function (PMID: 16199547), and loss-of-function variants in UNC13D are known to be pathogenic (PMID: 14622600). This variant is present in population databases (rs753990040, gnomAD 0.02%). Disruption of this splice site has been observed in individuals with hemophagocytic lymphohistiocytosis (PMID: 20015888, 27896523). ClinVar contains an entry for this variant (Variation ID: 1299416). Algorithms developed to predict the effect of sequence changes on RNA splicing suggest that this variant may disrupt the consensus splice site. For these reasons, this variant has been classified as Pathogenic.

GeneReviews
No classification provided. Condition: Familial hemophagocytic lymphohistiocytosis 3. Review status: no classification provided. Collection method: literature only. Allele origin: germline. Not counted in ClinVar's aggregate classification.
Comment: Predominantly found in Korean persons [Seo et al 2013]

Literature cited by the submitters: PubMed 15466010 (cited by 3billion); PubMed 23180437 (cited by 3billion and GeneReviews); PubMed 16199547 (cited by Labcorp Genetics (formerly Invitae), Labcorp); PubMed 14622600 (cited by Labcorp Genetics (formerly Invitae), Labcorp); PubMed 20015888 (cited by Labcorp Genetics (formerly Invitae), Labcorp); PubMed 27896523 (cited by Labcorp Genetics (formerly Invitae), Labcorp).

NM_199242.3(UNC13D):c.754-1G>C

Gene: UNC13D (unc-13 homolog D; minus strand). Cytogenetic location: 17q25.1.
Variant type: single nucleotide variant.
Coding change: c.754-1G>C on transcript NM_199242.3 (MANE Select); the canonical splice acceptor site of the intron before coding-DNA position 754, G replaced by C.
Molecular consequence: splice acceptor variant.
Genome position (GRCh38, 1-based): chr17:75,840,330, C>G on the plus strand (G>C on the coding strand, the complement: UNC13D is on the minus strand). VCF-style: chr17-75840330-C-G. GRCh37 (hg19) VCF-style: chr17-73836411-C-G.
Identifiers: ClinVar variation 1299416 (VCV001299416.11), dbSNP rs753990040, ClinGen allele CA8773282.